The following is an entry in ClinVar:

ClinVar aggregate classification (germline): Uncertain significance. Review status: criteria provided, multiple submitters, no conflicts (2 of 4 stars). 2 submissions from 2 submitters: Uncertain significance (2). Last evaluated 2024-08-12.

Conditions:
Hypomyelination and Congenital Cataract (HLD5). Also called: hypomyelinating leukodystrophy 5. Identifiers: Orphanet 85163, MedGen C1864663, MONDO:0012514, OMIM 610532.
Inborn genetic diseases. Identifiers: MedGen C0950123, MeSH D030342.

Allele frequency attached by ClinVar (database versions not stated): gnomAD exomes 0.00001 and 0.00002; ExAC 0.00002; gnomAD 0.00007 and 0.00008; ESP Exome Variant Server 0.00008; TOPMed 0.00010.
gnomAD v4.1: 21 of 1,613,536 alleles (0.0013%); highest among the groups gnomAD compares: African/African-American, 0.027%; no homozygotes.

Submissions (2):

Ambry Genetics
Classification: Uncertain significance for Inborn genetic diseases. Last evaluated: 2024-08-12. Review status: criteria provided, single submitter. Criteria: Ambry Variant Classification Scheme 2023. Collection method: clinical testing. Allele origin: germline.

Labcorp Genetics (formerly Invitae), Labcorp
Classification: Uncertain significance for Hypomyelination and Congenital Cataract. Last evaluated: 2022-12-02. Review status: criteria provided, single submitter. Criteria: Invitae Variant Classification Sherloc (09022015). Collection method: clinical testing. Allele origin: germline.
Comment: This sequence change replaces glutamine, which is neutral and polar, with arginine, which is basic and polar, at codon 154 of the FAM126A protein (p.Gln154Arg). In summary, the available evidence is currently insufficient to determine the role of this variant in disease. Therefore, it has been classified as a Variant of Uncertain Significance. Advanced modeling of protein sequence and biophysical properties (such as structural, functional, and spatial information, amino acid conservation, physicochemical variation, residue mobility, and thermodynamic stability) performed at Invitae indicates that this missense variant is not expected to disrupt FAM126A protein function. ClinVar contains an entry for this variant (Variation ID: 1509308). This variant has not been reported in the literature in individuals affected with FAM126A-related conditions. This variant is present in population databases (rs146695960, gnomAD 0.04%).

NM_032581.4(HYCC1):c.461A>G (p.Gln154Arg)

Gene: HYCC1 (hyccin PI4KA lipid kinase complex subunit 1; minus strand). Cytogenetic location: 7p15.3.
Variant type: single nucleotide variant.
Coding change: c.461A>G on transcript NM_032581.4 (MANE Select); coding-DNA position 461, A replaced by G.
Protein change: p.Gln154Arg; replaces glutamine 154 with arginine.
Molecular consequence: missense variant.
Genome position (GRCh38, 1-based): chr7:22,976,762, T>C on the plus strand (A>G on the coding strand, the complement: HYCC1 is on the minus strand). VCF-style: chr7-22976762-T-C. GRCh37 (hg19) VCF-style: chr7-23016381-T-C.
Other names: c.461A>G (NM_032581.3); c.461A>G, p.Gln154Arg (NM_001363466.2, NM_001363467.2); short protein forms Q154R.
Identifiers: ClinVar variation 1509308 (VCV001509308.7), dbSNP rs146695960, ClinGen allele CA4186001.
Genomic context (GRCh38, chr7:22,976,762, plus strand): 5'-GCTGTCAGCATCTCCCTTTGAGGATGAGGTCCACTGTATACCACTTTTGACAAACCATGC[T>C]GGGATAGTGCACTCTCAGTCAGAGCCATGGACCCAATGCTGGAAGGCTAGAGAAAAGACA-3'
Protein context (NP_115970.2, residues 144-164): SMALTESALS[Gln154Arg]HGLSKVVYSG